The following is an entry in ClinVar:

NM_006206.6(PDGFRA):c.3182dup (p.Arg1062fs)

Gene: PDGFRA (platelet derived growth factor receptor alpha; plus strand). Cytogenetic location: 4q12.
Variant type: Duplication.
Coding change: c.3182dup on transcript NM_006206.6 (MANE Select); coding-DNA position 3182, one base duplicated (A; older notation c.3182dupA).
Protein change: p.Arg1062fs; shifts the reading frame from arginine 1062.
Molecular consequence: frameshift variant.
Genome position (GRCh38, 1-based): chr4:54,295,184, A duplicated; the last of 2 consecutive A bases (chr4:54,295,183-54,295,184); duplicating either gives the same sequence. VCF-style (leftmost placement, unchanged base first): chr4-54295182-C-CA. GRCh37 (hg19) VCF-style: chr4-55161349-C-CA.
Other names: c.3257dup, p.Arg1087fs (NM_001347828.2); c.3182dup, p.Arg1062fs (NM_001347829.2); c.3221dup, p.Arg1075fs (NM_001347830.2); short protein forms R1075fs, R1087fs, R1062fs.
Identifiers: ClinVar variation 1488490 (VCV001488490.6), dbSNP rs2110358692, ClinGen allele CA2573137813.

ClinVar aggregate classification (germline): Uncertain significance (1 of 4 stars; one submission).

Conditions:
Gastrointestinal stromal tumor. Also called: Gastrointestinal stroma tumor; Gastrointestinal stromal tumor, somatic. Identifiers: Orphanet 44890, MedGen C0238198, MeSH D046152, MONDO:0011719, OMIM 606764, HP:0100723.

Submission:

Labcorp Genetics (formerly Invitae), Labcorp
Classification: Uncertain significance for Gastrointestinal stromal tumor. Last evaluated: 2021-11-08. Review status: criteria provided, single submitter. Criteria: Invitae Variant Classification Sherloc (09022015). Collection method: clinical testing. Allele origin: germline.
Comment: In summary, the available evidence is currently insufficient to determine the role of this variant in disease. Therefore, it has been classified as a Variant of Uncertain Significance. Experimental studies and prediction algorithms are not available or were not evaluated, and the functional significance of this variant is currently unknown. This variant has not been reported in the literature in individuals affected with PDGFRA-related conditions. This variant is not present in population databases (gnomAD no frequency). This sequence change creates a premature translational stop signal (p.Arg1062Glufs*7) in the PDGFRA gene. While this is not anticipated to result in nonsense mediated decay, it is expected to disrupt the last 28 amino acid(s) of the PDGFRA protein.